The following is an entry in ClinVar:

ClinVar aggregate classification (germline): Conflicting classifications of pathogenicity. Review status: criteria provided, conflicting classifications (1 of 4 stars). 7 submissions from 7 submitters: Uncertain significance (6); Likely benign (1). Last evaluated 2026-04-01.

Conditions:
Dilated cardiomyopathy 1G (CMD1G). Identifiers: Orphanet 154, MedGen C1858763, MONDO:0011400, OMIM 604145.
Autosomal recessive limb-girdle muscular dystrophy type 2J (LGMDR10). Also called: Limb-girdle muscular dystrophy, type 2J; MUSCULAR DYSTROPHY, LIMB-GIRDLE, AUTOSOMAL RECESSIVE 10. Identifiers: Orphanet 140922, MedGen C1837342, MONDO:0012127, OMIM 608807.
Myopathy, myofibrillar, 9, with early respiratory failure (MFM9). Also called: EDSTROM MYOPATHY; MYOPATHY, PROXIMAL, WITH EARLY RESPIRATORY MUSCLE INVOLVEMENT; Myopathy, distal, with early respiratory failure, autosomal dominant; Hereditary myopathy with early respiratory failure. Identifiers: Orphanet 178464, Orphanet 34521, MedGen C1863599, MONDO:0011362, OMIM 603689.
Tibial muscular dystrophy (TMD). Also called: UDD MYOPATHY; Tibial muscular dystrophy, tardive; Udd Distal Myopathy – Tibial Muscular Dystrophy. Identifiers: Orphanet 609, MedGen C1838244, MONDO:0010870, OMIM 600334.
Early-onset myopathy with fatal cardiomyopathy (CMYO5). Also called: Salih Myopathy; CONGENITAL MYOPATHY 5 WITH CARDIOMYOPATHY. Identifiers: Orphanet 289377, MedGen C2673677, MONDO:0012714, OMIM 611705. Disease mechanism: loss of function.
Hypertrophic cardiomyopathy 9. Also called: Familial hypertrophic cardiomyopathy 9. Identifiers: MedGen C1861065, MONDO:0013412, OMIM 613765.

Allele frequency attached by ClinVar (database versions not stated): gnomAD 0.00001; ExAC 0.00002; gnomAD exomes 0.00002; TOPMed 0.00002.
gnomAD v4.1: 26 of 1,612,582 alleles (0.0016%); highest among the groups gnomAD compares: Middle Eastern, 0.016%; no homozygotes.

Submissions (7):

CeGaT Center for Human Genetics Tuebingen
Classification: Uncertain significance. Last evaluated: 2026-04-01. Review status: criteria provided, single submitter. Criteria: CeGaT Center For Human Genetics Tuebingen Variant Classification Criteria Version 2. Collection method: clinical testing. Allele origin: germline. Affected: yes. Observed: 1 variant allele.
Comment: TTN: PM2, BP4

Women's Health and Genetics/Laboratory Corporation of America, LabCorp
Classification: Uncertain significance. Last evaluated: 2026-02-16. Review status: criteria provided, single submitter. Criteria: LabCorp Variant Classification Summary - May 2015. Collection method: clinical testing. Allele origin: germline.
Comment: Variant summary: TTN c.85117G>A (p.Ala28373Thr) results in a non-conservative amino acid change in the encoded protein sequence. Algorithms developed to predict the effect of missense changes on protein structure and function are either unavailable or do not agree on the potential impact of this missense change. The variant allele was found at a frequency of 1.6e-05 in 247974 control chromosomes. The available data on variant occurrences in the general population are insufficient to allow any conclusion about variant significance. c.85117G>A has been observed in the presumed heterozygous state in at least 2 individual(s) affected with skeletal myopathy and/or dilated cardiomyopathy (example, Saravese_2020, Mazzarotto_2020) without strong evidence for causality. These report(s) do not provide unequivocal conclusions about association of the variant with TTN-related conditions. To our knowledge, no experimental evidence demonstrating an impact on protein function has been reported. The following publications have been ascertained in the context of this evaluation (PMID: 32039858, 27302369, 31983221, 34426522). ClinVar contains an entry for this variant (Variation ID: 535544). Based on the evidence outlined above, the variant was classified as uncertain significance.

Blueprint Genetics
Classification: Likely benign. Last evaluated: 2022-10-27. Review status: criteria provided, single submitter. Criteria: ACMG Guidelines, 2015. Collection method: clinical testing. Allele origin: germline.

Fulgent Genetics
Classification: Uncertain significance for Tibial muscular dystrophy; Myopathy, myofibrillar, 9, with early respiratory failure; Dilated cardiomyopathy 1G; Autosomal recessive limb-girdle muscular dystrophy type 2J; Early-onset myopathy with fatal cardiomyopathy; Hypertrophic cardiomyopathy 9. Last evaluated: 2021-10-16. Review status: criteria provided, single submitter. Criteria: ACMG Guidelines, 2015. Collection method: clinical testing. Allele origin: unknown.

Revvity Omics, Revvity
Classification: Uncertain significance. Last evaluated: 2019-10-01. Review status: criteria provided, single submitter. Criteria: ACMG Guidelines, 2015. Collection method: clinical testing. Allele origin: germline.

Labcorp Genetics (formerly Invitae), Labcorp
Classification: Uncertain significance for Dilated cardiomyopathy 1G; Autosomal recessive limb-girdle muscular dystrophy type 2J. Last evaluated: 2017-12-27. Review status: criteria provided, single submitter. Criteria: Invitae Variant Classification Sherloc (09022015). Collection method: clinical testing. Allele origin: germline.

Pediatric/Medical Genetics, Ministry of Health, Qatif Central Hospital
Classification: Uncertain significance for Autosomal recessive limb-girdle muscular dystrophy type 2J. Review status: criteria provided, single submitter. Criteria: ACMG Guidelines, 2015. Collection method: clinical testing. Allele origin: germline. Affected: yes.

Literature cited by the submitters: PubMed 31983221 (cited by Women's Health and Genetics/Laboratory Corporation of America, LabCorp); PubMed 27302369 (cited by Women's Health and Genetics/Laboratory Corporation of America, LabCorp); PubMed 32039858 (cited by Women's Health and Genetics/Laboratory Corporation of America, LabCorp); PubMed 34426522 (cited by Women's Health and Genetics/Laboratory Corporation of America, LabCorp).

NM_001267550.2(TTN):c.92821G>A (p.Ala30941Thr)

Genes: TTN (titin; minus strand), TTN-AS1 (TTN antisense RNA 1; plus strand). Cytogenetic location: 2q31.2.
Variant type: single nucleotide variant.
Coding change: c.92821G>A on transcript NM_001267550.2 (MANE Select); coding-DNA position 92821, G replaced by A.
Protein change: p.Ala30941Thr; replaces alanine 30941 with threonine.
Molecular consequence: missense variant.
Genome position (GRCh38, 1-based): chr2:178,548,805, C>T on the plus strand (G>A on the coding strand, the complement: TTN is on the minus strand). VCF-style: chr2-178548805-C-T. GRCh37 (hg19) VCF-style: chr2-179413532-C-T.
Other names: c.87898G>A, p.Ala29300Thr (NM_001256850.1); c.65626G>A, p.Ala21876Thr (NM_003319.4); c.85117G>A, p.Ala28373Thr (NM_133378.4); c.66001G>A, p.Ala22001Thr (NM_133432.3); c.66202G>A, p.Ala22068Thr (NM_133437.4); short protein forms A30941T, A21876T, A28373T, A29300T, A22001T, A22068T.
Identifiers: ClinVar variation 535544 (VCV000535544.12), dbSNP rs777150584, ClinGen allele CA1987397.
Genomic context (GRCh38, chr2:178,548,805, plus strand): 5'-TGCTCCACACAGCTGTAGGAGTAGGTCTACCTTGGTAGGCAATGAAGAGGCGAATACTGG[C>T]CCCAGCTCTAACAACATGAGTCTGTTTGAAGTTTGCATCTATGTCTAACTCAGGAGCTGT-3'
Protein context (NP_001254479.2, residues 30931-30951): FKQTHVVRAG[Ala30941Thr]SIRLFIAYQG